The following is an entry in ClinVar:

NM_003190.5(TAPBP):c.130_470-3608del

Gene: TAPBP (TAP binding protein; minus strand). Cytogenetic location: 6p21.32.
Variant type: Deletion.
Coding change: c.130_470-3608del on transcript NM_003190.5 (MANE Select); coding-DNA position 130 through 3608 bases into the intron before coding-DNA position 470, 4,778 bases deleted.
Molecular consequence: splice acceptor variant, splice donor variant.
Genome position (GRCh38, 1-based): chr6:33,308,995-33,313,772, 4,778 bases deleted. GRCh37 (hg19): chr6:33,276,774-33,281,551.
Other names: c.130_470-3608del (NM_172208.3); c.130_209-3608del (NM_172209.3).
Identifiers: ClinVar variation 646471 (VCV000646471.1), ClinGen allele CA915944209.

ClinVar aggregate classification (germline): Uncertain significance (1 of 4 stars; one submission).

Conditions:
MHC class I deficiency. Identifiers: Orphanet 34592, MedGen C6024714, MONDO:0011476.

Submission:

Labcorp Genetics (formerly Invitae), Labcorp
Classification: Uncertain significance for Bare lymphocyte syndrome type 1. Last evaluated: 2018-10-13. Review status: criteria provided, single submitter. Criteria: Invitae Variant Classification Sherloc (09022015). Collection method: clinical testing. Allele origin: germline.
Comment: This variant is a deletion of the genomic region encompassing exon 3 and part of exon 2 (c.129_470-3609del) of the TAPBP gene. It is expected to disrupt RNA splicing and likely results in an absent or disrupted protein product. This variant has not been reported in the literature in individuals with TAPBP-related disease. The current clinical and genetic evidence is not sufficient to establish whether loss-of-function variants in TAPBP cause disease. In summary, the available evidence is currently insufficient to determine the role of this variant in disease. Therefore, it has been classified as a Variant of Uncertain Significance.